The following is an entry in ClinVar:

ClinVar aggregate classification (germline): Uncertain significance. Review status: criteria provided, multiple submitters, no conflicts (2 of 4 stars). 2 submissions from 2 submitters: Uncertain significance (2). Last evaluated 2024-05-06.

Conditions:
Gastrointestinal stromal tumor. Also called: Gastrointestinal stromal tumor, somatic; Gastrointestinal stroma tumor. Identifiers: Orphanet 44890, MedGen C0238198, MeSH D046152, MONDO:0011719, OMIM 606764, HP:0100723.

Allele frequency attached by ClinVar (database versions not stated): gnomAD exomes below 0.00001.
gnomAD v4.1: 2 of 1,614,166 alleles (0.00012%); highest among the groups gnomAD compares: Non-Finnish European, 0.00017%; no homozygotes.

Submissions (2):

Labcorp Genetics (formerly Invitae), Labcorp
Classification: Uncertain significance for Gastrointestinal stromal tumor. Last evaluated: 2024-05-06. Review status: criteria provided, single submitter. Criteria: Invitae Variant Classification Sherloc (09022015). Collection method: clinical testing. Allele origin: germline.
Comment: This sequence change replaces leucine, which is neutral and non-polar, with proline, which is neutral and non-polar, at codon 148 of the KIT protein (p.Leu148Pro). This variant is not present in population databases (gnomAD no frequency). This variant has not been reported in the literature in individuals affected with KIT-related conditions. ClinVar contains an entry for this variant (Variation ID: 958907). An algorithm developed to predict the effect of missense changes on protein structure and function (PolyPhen-2) suggests that this variant is likely to be disruptive. In summary, the available evidence is currently insufficient to determine the role of this variant in disease. Therefore, it has been classified as a Variant of Uncertain Significance.

Baylor Genetics
Classification: Uncertain significance for Gastrointestinal stromal tumor. Last evaluated: 2023-06-02. Review status: criteria provided, single submitter. Criteria: ACMG Guidelines, 2015. Collection method: clinical testing. Allele origin: unknown.

NM_000222.3(KIT):c.443T>C (p.Leu148Pro)

Gene: KIT (KIT proto-oncogene, receptor tyrosine kinase; plus strand). Cytogenetic location: 4q12.
Variant type: single nucleotide variant.
Coding change: c.443T>C on transcript NM_000222.3 (MANE Select); coding-DNA position 443, T replaced by C.
Protein change: p.Leu148Pro; replaces leucine 148 with proline.
Molecular consequence: missense variant.
Genome position (GRCh38, 1-based): chr4:54,698,389, T>C. VCF-style: chr4-54698389-T-C. GRCh37 (hg19) VCF-style: chr4-55564555-T-C.
Other names: c.443T>C, p.Leu148Pro (NM_001093772.2, NM_001385284.1, NM_001385285.1 and 4 more transcripts); short protein forms L148P.
Identifiers: ClinVar variation 958907 (VCV000958907.9), dbSNP rs1720225274, ClinGen allele CA356897598.